The following is an entry in ClinVar:

NM_024928.5(STN1):c.736A>G (p.Ser246Gly)

Gene: STN1 (STN1 subunit of CST complex; minus strand). Cytogenetic location: 10q24.33.
Variant type: single nucleotide variant.
Coding change: c.736A>G on transcript NM_024928.5 (MANE Select); coding-DNA position 736, A replaced by G.
Protein change: p.Ser246Gly; replaces serine 246 with glycine.
Molecular consequence: missense variant.
Genome position (GRCh38, 1-based): chr10:103,897,565, T>C on the plus strand (A>G on the coding strand, the complement: STN1 is on the minus strand). VCF-style: chr10-103897565-T-C. GRCh37 (hg19) VCF-style: chr10-105657323-T-C.
Other names: short protein forms S246G.
Identifiers: ClinVar variation 1402698 (VCV001402698.7), dbSNP rs1431592741, ClinGen allele CA378044867.

ClinVar aggregate classification (germline): Uncertain significance (1 of 4 stars; one submission).

Allele frequency attached by ClinVar (database versions not stated): gnomAD exomes below 0.00001; TOPMed 0.00001.

Submission:

Labcorp Genetics (formerly Invitae), Labcorp
Classification: Uncertain significance. Last evaluated: 2024-11-11. Review status: criteria provided, single submitter. Criteria: Invitae Variant Classification Sherloc (09022015). Collection method: clinical testing. Allele origin: germline.
Comment: This sequence change replaces serine, which is neutral and polar, with glycine, which is neutral and non-polar, at codon 246 of the STN1 protein (p.Ser246Gly). This variant is not present in population databases (gnomAD no frequency). This variant has not been reported in the literature in individuals affected with STN1-related conditions. ClinVar contains an entry for this variant (Variation ID: 1402698). Invitae Evidence Modeling of protein sequence and biophysical properties (such as structural, functional, and spatial information, amino acid conservation, physicochemical variation, residue mobility, and thermodynamic stability) indicates that this missense variant is not expected to disrupt STN1 protein function with a negative predictive value of 80%. In summary, the available evidence is currently insufficient to determine the role of this variant in disease. Therefore, it has been classified as a Variant of Uncertain Significance.